The following is an entry in ClinVar:

ClinVar aggregate classification (germline): Benign (0 of 4 stars; one submission).

Conditions:
ZC3H4-related disorder. Also called: ZC3H4-related condition.

Allele frequency attached by ClinVar (database versions not stated): ExAC 0.03818; ESP Exome Variant Server 0.09252; gnomAD 0.10574; 1000 Genomes Project 0.11342; 1000 Genomes Project 30x 0.11711; TOPMed 0.12152.
gnomAD v4.1: 33,131 of 1,595,726 alleles (2.1%); highest among the groups gnomAD compares: African/African-American, 37%; 5,336 homozygotes.

Submission:

PreventionGenetics, part of Exact Sciences
Classification: Benign for ZC3H4-related condition. Last evaluated: 2019-11-25. Review status: no assertion criteria provided. Collection method: clinical testing. Allele origin: germline.
Comment: This variant is classified as benign based on ACMG/AMP sequence variant interpretation guidelines (Richards et al. 2015 PMID: 25741868, with internal and published modifications).

NM_015168.2(ZC3H4):c.3683C>G (p.Ala1228Gly)

Gene: ZC3H4 (zinc finger CCCH-type containing 4; minus strand). Cytogenetic location: 19q13.32.
Variant type: single nucleotide variant.
Coding change: c.3683C>G on transcript NM_015168.2 (MANE Select); coding-DNA position 3683, C replaced by G.
Protein change: p.Ala1228Gly; replaces alanine 1228 with glycine.
Molecular consequence: missense variant.
Genome position (GRCh38, 1-based): chr19:47,066,585, G>C on the plus strand (C>G on the coding strand, the complement: ZC3H4 is on the minus strand). VCF-style: chr19-47066585-G-C. GRCh37 (hg19) VCF-style: chr19-47569842-G-C.
Other names: short protein forms A1228G.
Identifiers: ClinVar variation 3055300 (VCV003055300.2), dbSNP rs309195, ClinGen allele CA9534524.